The following is an entry in ClinVar:

ClinVar aggregate classification (germline): Benign/Likely benign. Review status: criteria provided, multiple submitters, no conflicts (2 of 4 stars). 3 submissions from 3 submitters: Benign (1); Likely benign (2). Last evaluated 2026-03-01.

Allele frequency attached by ClinVar (database versions not stated): 1000 Genomes Project 0.00100; 1000 Genomes Project 30x 0.00125; gnomAD 0.00135 and 0.00137; gnomAD exomes 0.00142 and 0.00206; TOPMed 0.00155; ExAC 0.00159; ESP Exome Variant Server 0.00208.
gnomAD v4.1: 3,269 of 1,611,734 alleles (0.2%); highest among the groups gnomAD compares: Middle Eastern, 0.3%; 4 homozygotes.

Submissions (3):

CeGaT Center for Human Genetics Tuebingen
Classification: Likely benign. Last evaluated: 2026-03-01. Review status: criteria provided, single submitter. Criteria: CeGaT Center For Human Genetics Tuebingen Variant Classification Criteria Version 2. Collection method: clinical testing. Allele origin: germline. Affected: yes. Observed: 15 variant alleles.
Comment: CDK13: BP4, BP7, BS1

Labcorp Genetics (formerly Invitae), Labcorp
Classification: Benign. Last evaluated: 2026-01-16. Review status: criteria provided, single submitter. Criteria: Invitae Variant Classification Sherloc (09022015). Collection method: clinical testing. Allele origin: germline.

Blueprint Genetics
Classification: Likely benign. Last evaluated: 2024-11-21. Review status: criteria provided, single submitter. Criteria: ACMG Guidelines, 2015. Collection method: clinical testing. Allele origin: germline.

NM_003718.5(CDK13):c.1260A>G (p.Ser420=)

Gene: CDK13 (cyclin dependent kinase 13; plus strand). Cytogenetic location: 7p14.1.
Variant type: single nucleotide variant.
Coding change: c.1260A>G on transcript NM_003718.5 (MANE Select); coding-DNA position 1260, A replaced by G.
Protein change: p.Ser420=; no amino-acid change (serine 420 retained).
Molecular consequence: synonymous variant.
Genome position (GRCh38, 1-based): chr7:39,987,647, A>G. VCF-style: chr7-39987647-A-G. GRCh37 (hg19) VCF-style: chr7-40027246-A-G.
Other names: c.1260A>G, p.Ser420= (NM_031267.4).
Identifiers: ClinVar variation 771157 (VCV000771157.40), dbSNP rs139746338, ClinGen allele CA4228461.